The following is an entry in ClinVar:

NM_000368.5(TSC1):c.106+3T>A

Gene: TSC1 (TSC complex subunit 1; minus strand). Cytogenetic location: 9q34.13.
Variant type: single nucleotide variant.
Coding change: c.106+3T>A on transcript NM_000368.5 (MANE Select); 3 bases into the intron after coding-DNA position 106, T replaced by A.
Molecular consequence: intron variant.
Genome position (GRCh38, 1-based): chr9:132,928,764, A>T on the plus strand (T>A on the coding strand, the complement: TSC1 is on the minus strand). VCF-style: chr9-132928764-A-T. GRCh37 (hg19) VCF-style: chr9-135804151-A-T.
Other names: c.-153-3025T>A (NM_001406620.1, NM_001406618.1); c.-154+3T>A (NM_001406625.1, NM_001406621.1, NM_001406617.1 and 3 more transcripts); c.106+3T>A (NM_001406613.1, NM_001406612.1, NM_001406610.1 and 21 more transcripts); c.-772+3T>A (NM_001406627.1, NM_001406628.1, NM_001406626.1); c.-914+3T>A (NM_001406629.1); c.-246+3T>A (NM_001406614.1); c.-988+3T>A (NM_001406630.1); c.-350+3T>A (NM_001406624.1, NM_001406616.1); and 1 more.
Identifiers: ClinVar variation 3605761 (VCV003605761.2).
Genomic context (GRCh38, chr9:132,928,764, plus strand): 5'-GTGGCTCTAAAGTCAATCTCTTCTTTCTAGAAGATAAGCTAAAAAGGATATTATTTTGCT[A>T]ACCAGAATTGAGGTTCTCTTTAAAGACAGCTGTCACGTCGTCCCGCACACCCAGCATGGG-3'

ClinVar aggregate classification (germline): Uncertain significance (1 of 4 stars; one submission).

Conditions:
Tuberous sclerosis 1 (TSC1). Identifiers: Orphanet 805, MedGen C1854465, MONDO:0008612, OMIM 191100.

gnomAD v4.1: 1 of 1,614,096 alleles (0.000062%); highest among the groups gnomAD compares: Non-Finnish European, 0.000085%; no homozygotes.

Submission:

Labcorp Genetics (formerly Invitae), Labcorp
Classification: Uncertain significance for Tuberous sclerosis 1. Last evaluated: 2024-09-29. Review status: criteria provided, single submitter. Criteria: Invitae Variant Classification Sherloc (09022015). Collection method: clinical testing. Allele origin: germline.
Comment: This sequence change falls in intron 3 of the TSC1 gene. It does not directly change the encoded amino acid sequence of the TSC1 protein. It affects a nucleotide within the consensus splice site. This variant is not present in population databases (gnomAD no frequency). This variant has not been reported in the literature in individuals affected with TSC1-related conditions. Variants that disrupt the consensus splice site are a relatively common cause of aberrant splicing (PMID: 17576681, 9536098). Algorithms developed to predict the effect of sequence changes on RNA splicing suggest that this variant is not likely to affect RNA splicing. In summary, the available evidence is currently insufficient to determine the role of this variant in disease. Therefore, it has been classified as a Variant of Uncertain Significance.

Literature cited by the submitters: PubMed 17576681; PubMed 9536098.